The following is an entry in ClinVar:

ClinVar aggregate classification (germline): Benign/Likely benign. Review status: criteria provided, multiple submitters, no conflicts (2 of 4 stars). 6 submissions from 6 submitters: Benign (3); Likely benign (3). Last evaluated 2026-02-04.

Conditions:
Dyskeratosis congenita. Identifiers: Orphanet 1775, MedGen C0265965, MONDO:0015780.
Cerebroretinal microangiopathy with calcifications and cysts 1 (CRMCC1). Identifiers: Orphanet 313838, MedGen C4552029, MONDO:0024564, OMIM 612199.

Allele frequency attached by ClinVar (database versions not stated): gnomAD exomes 0.00342; ExAC 0.00425; gnomAD 0.01440 and 0.01548; ESP Exome Variant Server 0.01450; TOPMed 0.01601; 1000 Genomes Project 0.01617; 1000 Genomes Project 30x 0.01733.
gnomAD v4.1: 4,257 of 1,614,172 alleles (0.26%); highest among the groups gnomAD compares: African/African-American, 5.1%; 108 homozygotes.

Submissions (6):

Labcorp Genetics (formerly Invitae), Labcorp
Classification: Benign for Dyskeratosis congenita. Last evaluated: 2026-02-04. Review status: criteria provided, single submitter. Criteria: Invitae Variant Classification Sherloc (09022015). Collection method: clinical testing. Allele origin: germline.

ARUP Laboratories, Molecular Genetics and Genomics, ARUP Laboratories
Classification: Benign for Cerebroretinal microangiopathy with calcifications and cysts 1. Last evaluated: 2024-07-19. Review status: criteria provided, single submitter. Criteria: ARUP Molecular Germline Variant Investigation Process 2024. Collection method: clinical testing. Allele origin: germline.

Genome-Nilou Lab
Classification: Benign for Cerebroretinal microangiopathy with calcifications and cysts 1. Last evaluated: 2021-07-15. Review status: criteria provided, single submitter. Criteria: ACMG Guidelines, 2015. Collection method: clinical testing. Allele origin: germline. Affected: no.

GeneDx
Classification: Likely benign. Last evaluated: 2020-12-17. Review status: criteria provided, single submitter. Criteria: GeneDx Variant Classification Process June 2021. Collection method: clinical testing. Allele origin: germline. Affected: yes.

Illumina Laboratory Services, Illumina
Classification: Likely benign for Dyskeratosis congenita. Last evaluated: 2017-04-27. Review status: criteria provided, single submitter. Criteria: ICSL Variant Classification Criteria 13 December 2019. Collection method: clinical testing. Allele origin: germline.
Comment: This variant was observed as part of a predisposition screen in an ostensibly healthy population. A literature search was performed for the gene, cDNA change, and amino acid change (where applicable). No publications were found based on this search. Allele frequency data from public databases allowed determination this variant is unlikely to cause disease. Therefore, this variant is classified as likely benign.

Breakthrough Genomics
Classification: Likely benign. Review status: criteria provided, single submitter. Criteria: ACMG Guidelines, 2015. Collection method: not provided. Allele origin: germline. Inheritance: Autosomal recessive inheritance. Affected: yes.

NM_025099.6(CTC1):c.3153G>C (p.Arg1051=)

Gene: CTC1 (CST telomere replication complex component 1; minus strand). Cytogenetic location: 17p13.1.
Variant type: single nucleotide variant.
Coding change: c.3153G>C on transcript NM_025099.6 (MANE Select); coding-DNA position 3153, G replaced by C.
Protein change: p.Arg1051=; no amino-acid change (arginine 1051 retained).
Molecular consequence: synonymous variant. On other transcripts: non-coding transcript variant (1).
Genome position (GRCh38, 1-based): chr17:8,229,305, C>G on the plus strand (G>C on the coding strand, the complement: CTC1 is on the minus strand). VCF-style: chr17-8229305-C-G. GRCh37 (hg19) VCF-style: chr17-8132623-C-G.
Identifiers: ClinVar variation 326068 (VCV000326068.28), dbSNP rs3027242, ClinGen allele CA8371874.